The following is an entry in ClinVar:

ClinVar aggregate classification (germline): Uncertain significance (1 of 4 stars; one submission).

Conditions:
Succinyl-CoA acetoacetate transferase deficiency (SCOTD). Also called: 3-Oxoacid CoA Transferase Deficiency; SCOT DEFICIENCY; SUCCINYL-CoA:3-KETOACID CoA-TRANSFERASE DEFICIENCY; Succinyl CoA:3-oxoacid CoA transferase deficiency; KETOACIDOSIS DUE TO SCOT DEFICIENCY. Identifiers: Orphanet 832, MedGen C0342792, MONDO:0009492, OMIM 245050.

Submission:

Labcorp Genetics (formerly Invitae), Labcorp
Classification: Uncertain significance for Succinyl-CoA acetoacetate transferase deficiency. Last evaluated: 2021-02-01. Review status: criteria provided, single submitter. Criteria: Invitae Variant Classification Sherloc (09022015). Collection method: clinical testing. Allele origin: germline.
Comment: Experimental studies and prediction algorithms are not available or were not evaluated, and the functional significance of this variant is currently unknown. In summary, the available evidence is currently insufficient to determine the role of this variant in disease. Therefore, it has been classified as a Variant of Uncertain Significance. This variant has not been reported in the literature in individuals with OXCT1-related conditions. This variant is a gross deletion of the genomic region encompassing exon(s) 17 of the OXCT1 gene. The 5' boundary is likely confined to intron 16. The 3' end of this event is unknown as it extends through the termination codon beyond the assayed region for this gene and may encompass additional genes. While this deletion is not anticipated to lead to nonsense mediated decay, it is expected to alter mRNA translation or result in a truncated protein product.

NC_000005.9:g.(?_41731831)_(41731892_?)del

Gene: OXCT1 (3-oxoacid CoA-transferase 1; minus strand). Cytogenetic location: 5p13.1.
Variant type: Deletion.
Identifiers: ClinVar variation 1510702 (VCV001510702.6).